The following is an entry in ClinVar:

NM_004304.5(ALK):c.3299G>A (p.Gly1100Asp)

Gene: ALK (ALK receptor tyrosine kinase; minus strand). Cytogenetic location: 2p23.2.
Variant type: single nucleotide variant.
Coding change: c.3299G>A on transcript NM_004304.5 (MANE Select); coding-DNA position 3299, G replaced by A.
Protein change: p.Gly1100Asp; replaces glycine 1100 with aspartic acid.
Molecular consequence: missense variant.
Genome position (GRCh38, 1-based): chr2:29,223,402, C>T on the plus strand (G>A on the coding strand, the complement: ALK is on the minus strand). VCF-style: chr2-29223402-C-T. GRCh37 (hg19) VCF-style: chr2-29446268-C-T.
Other names: c.95G>A, p.Gly32Asp (NM_001353765.2); short protein forms G1100D, G32D.
Identifiers: ClinVar variation 939174 (VCV000939174.12), dbSNP rs1669861474, ClinGen allele CA346464839.

ClinVar aggregate classification (germline): Uncertain significance. Review status: criteria provided, multiple submitters, no conflicts (2 of 4 stars). 2 submissions from 2 submitters: Uncertain significance (2). Last evaluated 2025-02-17.

Conditions:
Neuroblastoma, susceptibility to, 3. Also called: ALK-Related Neuroblastic Tumor Susceptibility. Identifiers: Orphanet 635, MedGen C2751681, MONDO:0013083, OMIM 613014.
Hereditary cancer-predisposing syndrome. Also called: Tumor predisposition; Hereditary neoplastic syndrome; Neoplastic Syndromes, Hereditary; Hereditary Cancer Syndrome. Identifiers: Orphanet 140162, MedGen C0027672, MeSH D009386, MONDO:0015356.

Submissions (2):

Ambry Genetics
Classification: Uncertain significance for Hereditary cancer-predisposing syndrome. Last evaluated: 2025-02-17. Review status: criteria provided, single submitter. Criteria: Ambry Variant Classification Scheme 2023. Collection method: clinical testing. Allele origin: germline.
Comment: The p.G1100D variant (also known as c.3299G>A), located in coding exon 20 of the ALK gene, results from a G to A substitution at nucleotide position 3299. The glycine at codon 1100 is replaced by aspartic acid, an amino acid with similar properties. This amino acid position is conserved. In addition, this alteration is predicted to be deleterious by in silico analysis. Since supporting evidence is limited at this time, the clinical significance of this alteration remains unclear.

Labcorp Genetics (formerly Invitae), Labcorp
Classification: Uncertain significance for Neuroblastoma, susceptibility to, 3. Last evaluated: 2024-10-09. Review status: criteria provided, single submitter. Criteria: Invitae Variant Classification Sherloc (09022015). Collection method: clinical testing. Allele origin: germline.
Comment: This sequence change replaces glycine, which is neutral and non-polar, with aspartic acid, which is acidic and polar, at codon 1100 of the ALK protein (p.Gly1100Asp). This variant is not present in population databases (gnomAD no frequency). This variant has not been reported in the literature in individuals affected with ALK-related conditions. ClinVar contains an entry for this variant (Variation ID: 939174). An algorithm developed to predict the effect of missense changes on protein structure and function (PolyPhen-2) suggests that this variant is likely to be disruptive. In summary, the available evidence is currently insufficient to determine the role of this variant in disease. Therefore, it has been classified as a Variant of Uncertain Significance.